The following is an entry in ClinVar:

NM_015072.5(TTLL5):c.264A>G (p.Glu88=)

Gene: TTLL5 (tubulin tyrosine ligase like 5; plus strand). Cytogenetic location: 14q24.3.
Variant type: single nucleotide variant.
Coding change: c.264A>G on transcript NM_015072.5 (MANE Select); coding-DNA position 264, A replaced by G.
Protein change: p.Glu88=; no amino-acid change (glutamic acid 88 retained).
Molecular consequence: synonymous variant.
Genome position (GRCh38, 1-based): chr14:75,681,627, A>G. VCF-style: chr14-75681627-A-G. GRCh37 (hg19) VCF-style: chr14-76147970-A-G.
Identifiers: ClinVar variation 1989035 (VCV001989035.1), dbSNP rs765479385, ClinGen allele CA7278856.

ClinVar aggregate classification (germline): Uncertain significance (1 of 4 stars; one submission).

Allele frequency attached by ClinVar (database versions not stated): TOPMed 0.00001; ExAC 0.00002; gnomAD exomes 0.00002; gnomAD 0.00003.
gnomAD v4.1: 26 of 1,612,706 alleles (0.0016%); highest among the groups gnomAD compares: Non-Finnish European, 0.0021%; no homozygotes.

Submission:

Labcorp Genetics (formerly Invitae), Labcorp
Classification: Uncertain significance. Last evaluated: 2022-02-19. Review status: criteria provided, single submitter. Criteria: Invitae Variant Classification Sherloc (09022015). Collection method: clinical testing. Allele origin: germline.
Comment: This sequence change affects codon 88 of the TTLL5 mRNA. It is a 'silent' change, meaning that it does not change the encoded amino acid sequence of the TTLL5 protein. It affects a nucleotide within the consensus splice site. This variant is present in population databases (rs765479385, gnomAD 0.002%). This variant has not been reported in the literature in individuals affected with TTLL5-related conditions. Algorithms developed to predict the effect of sequence changes on RNA splicing suggest that this variant is not likely to affect RNA splicing. In summary, the available evidence is currently insufficient to determine the role of this variant in disease. Therefore, it has been classified as a Variant of Uncertain Significance.